The following is an entry in ClinVar:

ClinVar aggregate classification (germline): Uncertain significance (1 of 4 stars; one submission).

Conditions:
Hereditary pancreatitis (PCTT). Also called: Hereditary chronic pancreatitis; PRSS1-Related Hereditary Pancreatitis. Identifiers: Orphanet 676, MedGen C0238339, MONDO:0008185, OMIM 167800.

Submission:

Ambry Genetics
Classification: Uncertain significance for Hereditary pancreatitis. Last evaluated: 2021-06-23. Review status: criteria provided, single submitter. Criteria: Ambry Variant Classification Scheme 2023. Collection method: clinical testing. Allele origin: germline.
Comment: The p.H58L variant (also known as c.173A>T), located in coding exon 3 of the CPA1 gene, results from an A to T substitution at nucleotide position 173. The histidine at codon 58 is replaced by leucine, an amino acid with similar properties. This amino acid position is poorly conserved in available vertebrate species. In addition, this alteration is predicted to be tolerated by in silico analysis. Since supporting evidence is limited at this time, the clinical significance of this alteration remains unclear.

NM_001868.4(CPA1):c.173A>T (p.His58Leu)

Gene: CPA1 (carboxypeptidase A1; plus strand). Cytogenetic location: 7q32.2.
Variant type: single nucleotide variant.
Coding change: c.173A>T on transcript NM_001868.4 (MANE Select); coding-DNA position 173, A replaced by T.
Protein change: p.His58Leu; replaces histidine 58 with leucine.
Molecular consequence: missense variant.
Genome position (GRCh38, 1-based): chr7:130,381,655, A>T. VCF-style: chr7-130381655-A-T. GRCh37 (hg19) VCF-style: chr7-130021496-A-T.
Other names: short protein forms H58L.
Identifiers: ClinVar variation 1779155 (VCV001779155.2), dbSNP rs1584850552, ClinGen allele CA369279614.
Genomic context (GRCh38, chr7:130,381,655, plus strand): 5'-CCCGCTGTGACCGTGCCGGCTCTTGTCCTCCCCAGCTGGACTTCTGGCGGGGGCCTGCCC[A>T]CCCTGGCTCCCCCATCGACGTCCGAGTGCCCTTCCCCAGCATCCAGGCGGTCAAGATCTT-3'
Protein context (NP_001859.1, residues 48-68): LQLDFWRGPA[His58Leu]PGSPIDVRVP